The following is an entry in ClinVar:

ClinVar aggregate classification (germline): Uncertain significance. Review status: criteria provided, multiple submitters, no conflicts (2 of 4 stars). 3 submissions from 3 submitters: Uncertain significance (3). Last evaluated 2024-12-20.

Conditions:
Telangiectasia, hereditary hemorrhagic, type 2 (HHT2). Also called: ACVRL1-Related Hereditary Hemorrhagic Telangiectasia; Telangiectasia, hereditary hemorrhagic, type II. Identifiers: Orphanet 774, MedGen C1838163, MONDO:0010880, OMIM 600376. Disease mechanism: loss of function.

Allele frequency attached by ClinVar (database versions not stated): gnomAD 0.00001; gnomAD exomes 0.00001 and 0.00003; TOPMed 0.00002.
gnomAD v4.1: 19 of 1,613,574 alleles (0.0012%); highest among the groups gnomAD compares: Admixed American, 0.0017%; no homozygotes.

Submissions (3):

Labcorp Genetics (formerly Invitae), Labcorp
Classification: Uncertain significance for Telangiectasia, hereditary hemorrhagic, type 2. Last evaluated: 2024-12-20. Review status: criteria provided, single submitter. Criteria: Invitae Variant Classification Sherloc (09022015). Collection method: clinical testing. Allele origin: germline.
Comment: This sequence change replaces lysine, which is basic and polar, with arginine, which is basic and polar, at codon 373 of the ACVRL1 protein (p.Lys373Arg). This variant is present in population databases (no rsID available, gnomAD 0.06%). This variant has not been reported in the literature in individuals affected with ACVRL1-related conditions. ClinVar contains an entry for this variant (Variation ID: 618511). Invitae Evidence Modeling of protein sequence and biophysical properties (such as structural, functional, and spatial information, amino acid conservation, physicochemical variation, residue mobility, and thermodynamic stability) has been performed for this missense variant. However, the output from this modeling did not meet the statistical confidence thresholds required to predict the impact of this variant on ACVRL1 protein function. In summary, the available evidence is currently insufficient to determine the role of this variant in disease. Therefore, it has been classified as a Variant of Uncertain Significance.

Fulgent Genetics
Classification: Uncertain significance for Telangiectasia, hereditary hemorrhagic, type 2. Last evaluated: 2022-03-03. Review status: criteria provided, single submitter. Criteria: ACMG Guidelines, 2015. Collection method: clinical testing. Allele origin: unknown.

ARUP Laboratories, Molecular Genetics and Genomics, ARUP Laboratories
Classification: Uncertain significance. Last evaluated: 2017-08-24. Review status: criteria provided, single submitter. Criteria: ARUP Molecular Germline Variant Investigation Process. Collection method: clinical testing. Allele origin: germline.
Comment: The p.Lys373Arg variant has not been reported in the medical literature, is not listed in gene-specific variant databases, nor has it been previously identified in our laboratory. The variant is listed in the Genome Aggregation Database (gnomAD) browser with an allele frequency of 0.061% in the Ashkenazi Jewish population (identified in 6 out of 9,834 chromosomes). The p.Lys373Arg variant is not listed in ClinVar, but other missense substitutions in nearby residues are classified as pathogenic, suggesting that this variant lies within a critical domain. The lysine at codon 373 is highly conserved considering 9 species up to Zebrafish (Alamut software v2.9), and computational analyses suggest that this variant effects the ACVRL1 protein structure/function (SIFT: damaging, PolyPhen2: probably damaging, MutationTaster: disease causing). However, based on the available information, the clinical significance of the p.Lys373Arg variant cannot be determined with certainty.

NM_000020.3(ACVRL1):c.1118A>G (p.Lys373Arg)

Gene: ACVRL1 (activin A receptor like type 1; plus strand). Cytogenetic location: 12q13.13.
Variant type: single nucleotide variant.
Coding change: c.1118A>G on transcript NM_000020.3 (MANE Select); coding-DNA position 1118, A replaced by G.
Protein change: p.Lys373Arg; replaces lysine 373 with arginine.
Molecular consequence: missense variant.
Genome position (GRCh38, 1-based): chr12:51,916,105, A>G. VCF-style: chr12-51916105-A-G. GRCh37 (hg19) VCF-style: chr12-52309889-A-G.
Other names: c.1118A>G, p.Lys373Arg (NM_001077401.2); short protein forms K373R.
Identifiers: ClinVar variation 618511 (VCV000618511.10), dbSNP rs1324917279, ClinGen allele CA384902385.